The following is an entry in ClinVar:

ClinVar aggregate classification (germline): Benign (1 of 4 stars; one submission).

Allele frequency attached by ClinVar (database versions not stated): 1000 Genomes Project 30x 0.02545; 1000 Genomes Project 0.02616; TOPMed 0.05658; gnomAD 0.07715 and 0.07740.
gnomAD v4.1: 8,145 of 105,396 alleles (7.7%); highest among the groups gnomAD compares: Middle Eastern, 16%; 352 homozygotes.

Submission:

GeneDx
Classification: Benign. Last evaluated: 2018-06-14. Review status: criteria provided, single submitter. Criteria: GeneDx Variant Classification (06012015). Collection method: clinical testing. Allele origin: germline. Affected: yes.
Comment: This variant is considered likely benign or benign based on one or more of the following criteria: it is a conservative change, it occurs at a poorly conserved position in the protein, it is predicted to be benign by multiple in silico algorithms, and/or has population frequency not consistent with disease.

NM_001082538.3(TCTN1):c.472+308C>T

Gene: TCTN1 (tectonic family member 1; plus strand). Cytogenetic location: 12q24.11.
Variant type: single nucleotide variant.
Coding change: c.472+308C>T on transcript NM_001082538.3 (MANE Select); 308 bases into the intron after coding-DNA position 472, C replaced by T.
Molecular consequence: intron variant.
Genome position (GRCh38, 1-based): chr12:110,626,800, C>T. VCF-style: chr12-110626800-C-T. GRCh37 (hg19) VCF-style: chr12-111064605-C-T.
Other names: c.304+308C>T (NM_001173975.3, NM_001319682.3); c.292+308C>T (NM_001173976.2); c.-236+308C>T (NM_001319681.2); c.472+308C>T (NM_024549.6, NM_001082537.3, NM_001319680.2).
Identifiers: ClinVar variation 673284 (VCV000673284.1), dbSNP rs61942628, ClinGen allele CA243557937.
Genomic context (GRCh38, chr12:110,626,800, plus strand): 5'-TGGATAATTTTTGTGTGTGCGTGGTTTTTTTTTTTTTTTTTTTTTTTTGAGACGGAGTTT[C>T]GCTCTTGTTGCCCAGGCTGGAGTGCAACGGCTCAATCTCGGCTCATCACAAATCCTCTGC-3'